The following is an entry in ClinVar:

NM_000321.3(RB1):c.970A>G (p.Ile324Val)

Gene: RB1 (RB transcriptional corepressor 1; plus strand). Cytogenetic location: 13q14.2.
Variant type: single nucleotide variant.
Coding change: c.970A>G on transcript NM_000321.3 (MANE Select); coding-DNA position 970, A replaced by G.
Protein change: p.Ile324Val; replaces isoleucine 324 with valine.
Molecular consequence: missense variant.
Genome position (GRCh38, 1-based): chr13:48,367,524, A>G. VCF-style: chr13-48367524-A-G. GRCh37 (hg19) VCF-style: chr13-48941660-A-G.
Other names: c.970A>G, p.Ile324Val (NM_001407165.1, NM_001407166.1); short protein forms I324V.
Identifiers: ClinVar variation 2770163 (VCV002770163.4), dbSNP rs2542188456, ClinGen allele CA388160668.

ClinVar aggregate classification (germline): Uncertain significance. Review status: criteria provided, multiple submitters, no conflicts (2 of 4 stars). 2 submissions from 2 submitters: Uncertain significance (2). Last evaluated 2025-08-20.

Conditions:
Hereditary cancer-predisposing syndrome. Also called: Hereditary neoplastic syndrome; Hereditary Cancer Syndrome; Neoplastic Syndromes, Hereditary; Tumor predisposition. Identifiers: Orphanet 140162, MedGen C0027672, MeSH D009386, MONDO:0015356.
Retinoblastoma (RB1). Also called: RETINOBLASTOMA, SOMATIC. Identifiers: Orphanet 790, MedGen C0035335, MeSH D012175, MONDO:0008380, OMIM 180200, HP:0009919. Disease mechanism: loss of function. Inheritance: Both sporadic and heritable forms are tested..

Submissions (2):

Ambry Genetics
Classification: Uncertain significance for Hereditary cancer-predisposing syndrome. Last evaluated: 2025-08-20. Review status: criteria provided, single submitter. Criteria: Ambry Variant Classification Scheme 2023. Collection method: clinical testing. Allele origin: germline.
Comment: The p.I324V variant (also known as c.970A>G), located in coding exon 10 of the RB1 gene, results from an A to G substitution at nucleotide position 970. The isoleucine at codon 324 is replaced by valine, an amino acid with highly similar properties. This amino acid position is conserved. In addition, this alteration is predicted to be tolerated by in silico analysis. Based on the available evidence, the clinical significance of this variant remains unclear.

Labcorp Genetics (formerly Invitae), Labcorp
Classification: Uncertain significance for Retinoblastoma. Last evaluated: 2023-06-17. Review status: criteria provided, single submitter. Criteria: Invitae Variant Classification Sherloc (09022015). Collection method: clinical testing. Allele origin: germline.
Comment: In summary, the available evidence is currently insufficient to determine the role of this variant in disease. Therefore, it has been classified as a Variant of Uncertain Significance. Advanced modeling of protein sequence and biophysical properties (such as structural, functional, and spatial information, amino acid conservation, physicochemical variation, residue mobility, and thermodynamic stability) performed at Invitae indicates that this missense variant is not expected to disrupt RB1 protein function. This variant has not been reported in the literature in individuals affected with RB1-related conditions. This variant is not present in population databases (gnomAD no frequency). This sequence change replaces isoleucine, which is neutral and non-polar, with valine, which is neutral and non-polar, at codon 324 of the RB1 protein (p.Ile324Val).